The following is an entry in ClinVar:

NM_006612.6(KIF1C):c.1598A>G (p.Lys533Arg)

Gene: KIF1C (kinesin family member 1C; plus strand). Cytogenetic location: 17p13.2.
Variant type: single nucleotide variant.
Coding change: c.1598A>G on transcript NM_006612.6 (MANE Select); coding-DNA position 1598, A replaced by G.
Protein change: p.Lys533Arg; replaces lysine 533 with arginine.
Molecular consequence: missense variant.
Genome position (GRCh38, 1-based): chr17:5,014,769, A>G. VCF-style: chr17-5014769-A-G. GRCh37 (hg19) VCF-style: chr17-4918064-A-G.
Other names: c.1598A>G (NM_006612.5); short protein forms K533R.
Identifiers: ClinVar variation 2065937 (VCV002065937.5), dbSNP rs1049225304, ClinGen allele CA287180347.
Genomic context (GRCh38, chr17:5,014,769, plus strand): 5'-ACATGCTCACAAACGTTGGCCATTGCTTCCCCAGGGTCGGCCAAGTAGATATGGACATCA[A>G]GCTGACCGGACAGTTCATTCGGGAGCAACACTGTCTGTTCCGGAGCATCCCCCAGCCAGA-3'
Protein context (NP_006603.2, residues 523-543): TRVGQVDMDI[Lys533Arg]LTGQFIREQH

ClinVar aggregate classification (germline): Uncertain significance. Review status: criteria provided, multiple submitters, no conflicts (2 of 4 stars). 2 submissions from 2 submitters: Uncertain significance (2). Last evaluated 2025-05-04.

Conditions:
Inborn genetic diseases. Identifiers: MedGen C0950123, MeSH D030342.
Spastic ataxia 2. Also called: Ataxia, spastic, 2, autosomal recessive. Identifiers: Orphanet 397946, MedGen C1969796, MONDO:0012651, OMIM 611302.

gnomAD v4.1: 17 of 1,599,550 alleles (0.0011%); highest among the groups gnomAD compares: Admixed American, 0.01%; no homozygotes.

Submissions (2):

Ambry Genetics
Classification: Uncertain significance for Inborn genetic diseases. Last evaluated: 2025-05-04. Review status: criteria provided, single submitter. Criteria: Ambry Variant Classification Scheme 2023. Collection method: clinical testing. Allele origin: germline.

Labcorp Genetics (formerly Invitae), Labcorp
Classification: Uncertain significance for Spastic ataxia 2. Last evaluated: 2022-07-19. Review status: criteria provided, single submitter. Criteria: Invitae Variant Classification Sherloc (09022015). Collection method: clinical testing. Allele origin: germline.
Comment: In summary, the available evidence is currently insufficient to determine the role of this variant in disease. Therefore, it has been classified as a Variant of Uncertain Significance. Algorithms developed to predict the effect of missense changes on protein structure and function are either unavailable or do not agree on the potential impact of this missense change (SIFT: "Deleterious"; PolyPhen-2: "Benign"; Align-GVGD: "Class C25"). This variant has not been reported in the literature in individuals affected with KIF1C-related conditions. This variant is present in population databases (no rsID available, gnomAD 0.01%). This sequence change replaces lysine, which is basic and polar, with arginine, which is basic and polar, at codon 533 of the KIF1C protein (p.Lys533Arg).